The following is an entry in ClinVar:

NM_003754.3(EIF3F):c.55C>T (p.Pro19Ser)

Gene: EIF3F (eukaryotic translation initiation factor 3 subunit F; plus strand). Cytogenetic location: 11p15.4.
Variant type: single nucleotide variant.
Coding change: c.55C>T on transcript NM_003754.3 (MANE Select); coding-DNA position 55, C replaced by T.
Protein change: p.Pro19Ser; replaces proline 19 with serine.
Molecular consequence: missense variant.
Genome position (GRCh38, 1-based): chr11:7,987,407, C>T. VCF-style: chr11-7987407-C-T. GRCh37 (hg19) VCF-style: chr11-8008954-C-T.
Other names: short protein forms P19S.
Identifiers: ClinVar variation 3035552 (VCV003035552.2), dbSNP rs139608264, ClinGen allele CA5870386.

ClinVar aggregate classification (germline): Likely benign (0 of 4 stars; one submission).

Conditions:
EIF3F-related disorder. Also called: EIF3F-related condition.

Allele frequency attached by ClinVar (database versions not stated): ExAC 0.00042; ESP Exome Variant Server 0.00066; 1000 Genomes Project 0.00120; TOPMed 0.00139; 1000 Genomes Project 30x 0.00141.
gnomAD v4.1: 338 of 1,600,868 alleles (0.021%); highest among the groups gnomAD compares: African/African-American, 0.41%; 1 homozygote.

Submission:

PreventionGenetics, part of Exact Sciences
Classification: Likely benign for EIF3F-related condition. Last evaluated: 2023-02-07. Review status: no assertion criteria provided. Collection method: clinical testing. Allele origin: germline.
Comment: This variant is classified as likely benign based on ACMG/AMP sequence variant interpretation guidelines (Richards et al. 2015 PMID: 25741868, with internal and published modifications).